The following is an entry in ClinVar:

ClinVar aggregate classification (germline): Likely pathogenic (1 of 4 stars; one submission).

Submission:

GeneDx
Classification: Likely pathogenic. Last evaluated: 2016-07-31. Review status: criteria provided, single submitter. Criteria: GeneDx Variant Classification (06012015). Collection method: clinical testing. Allele origin: germline. Affected: yes.
Comment: The c.1716delC variant in the TCF4 gene has not been reported previously as a pathogenic variant nor as a benign variant, to our knowledge. The c.1716delC variant causes a frameshift starting with codon Asparagine 573, changes this amino acid to a Threonine residue, and creates a premature Stop codon at position 37 of the new reading frame, denoted p.Asn573ThrfsX37. This variant is predicted to cause loss of normal protein function through protein truncation as the last 99 amino acids of the TCF4 protein are lost and replaced with 36 incorrect amino acids. The c.1716delC variant was not observed in approximately 6,500 individuals of European and African American ancestry in the NHLBI Exome Sequencing Project, indicating it is not a common benign variant in these populations. The c.1716delC variant is a strong candidate for a pathogenic variant, however the possibility it may be a rare benign variant cannot be excluded.

NM_001083962.2(TCF4):c.1716del (p.Asn573fs)

Gene: TCF4 (transcription factor 4; minus strand). Cytogenetic location: 18q21.2.
Variant type: Deletion.
Coding change: c.1716del on transcript NM_001083962.2 (MANE Select); coding-DNA position 1716, one base deleted (C; older notation c.1716delC).
Protein change: p.Asn573fs; shifts the reading frame from asparagine 573.
Molecular consequence: frameshift variant.
Genome position (GRCh38, 1-based): chr18:55,229,010, G deleted on the plus strand (C on the coding strand, the reverse complement: TCF4 is on the minus strand); the first of 2 consecutive G bases (chr18:55,229,010-55,229,011); deleting either gives the same sequence. VCF-style (leftmost placement, unchanged base first): chr18-55229009-TG-T. GRCh37 (hg19) VCF-style: chr18-52896240-TG-T.
Other names: c.1578del, p.Asn527fs (NM_001243231.2); c.1503del, p.Asn502fs (NM_001243232.1); c.1314del, p.Asn439fs (NM_001243233.2, NM_001348212.2); c.1236del, p.Asn413fs (NM_001243234.2, NM_001348216.2); c.1224del, p.Asn409fs (NM_001243235.2, NM_001243236.2); c.1632del, p.Asn545fs (NM_001306207.1, NM_001348219.2, NM_001369582.1 and 1 more transcripts); c.1491del, p.Asn498fs (NM_001306208.1); c.1713del, p.Asn572fs (NM_001330604.3, NM_001369569.1, NM_001369570.1); and 14 more; short protein forms N409fs, N413fs, N531fs, N550fs, N566fs, N408fs, N439fs, N498fs.
Identifiers: ClinVar variation 421915 (VCV000421915.2), dbSNP rs1064795443, ClinGen allele CA16620712.
Genomic context (GRCh38, chr18:55,229,009, plus strand): 5'-GGCCGAGCTCTTTGAAAGCCTCGTTGATGTCACGGACCCGCAGACGCTCTCGGGCATTGT[TG>T]GCCATCCTCCGCTCCTTCTCACGCTCTGCCTTCTGCTCTGGTGTCAGGTCCTCATCGTCA-3'